The following is an entry in ClinVar:

NM_001382391.1(CSPP1):c.3050C>T (p.Ala1017Val)

Genes: ARFGEF1 (ARF guanine nucleotide exchange factor 1; minus strand), CSPP1 (centrosome and spindle pole associated protein 1; plus strand). Cytogenetic location: 8q13.2.
Variant type: single nucleotide variant.
Coding change: c.3050C>T on transcript NM_001382391.1 (MANE Select); coding-DNA position 3050, C replaced by T.
Protein change: p.Ala1017Val; replaces alanine 1017 with valine.
Molecular consequence: missense variant. On other transcripts: 3 prime UTR variant (2).
Genome position (GRCh38, 1-based): chr8:67,175,377, C>T. VCF-style: chr8-67175377-C-T. GRCh37 (hg19) VCF-style: chr8-68087612-C-T.
Other names: c.*178G>A (NM_001413186.1, NM_001413187.1); c.2000C>T, p.Ala667Val (NM_001291339.2); c.2969C>T, p.Ala990Val (NM_001363131.2); c.2855C>T, p.Ala952Val (NM_001363132.2); c.2774C>T, p.Ala925Val (NM_001363133.2); c.3116C>T, p.Ala1039Val (NM_001364869.1); c.2936C>T, p.Ala979Val (NM_001364870.1); c.2882C>T, p.Ala961Val (NM_001438330.1); and 2 more; short protein forms A1012V, A1017V, A952V, A925V, A1039V, A667V, A979V, A990V.
Identifiers: ClinVar variation 968324 (VCV000968324.8), dbSNP rs1831355993, ClinGen allele CA371197430.

ClinVar aggregate classification (germline): Uncertain significance (1 of 4 stars; one submission).

Conditions:
Joubert syndrome 21 (JBTS21). Identifiers: MedGen C3810212, MONDO:0014288, OMIM 615636.

Submission:

Labcorp Genetics (formerly Invitae), Labcorp
Classification: Uncertain significance for Joubert syndrome 21. Last evaluated: 2019-11-15. Review status: criteria provided, single submitter. Criteria: Invitae Variant Classification Sherloc (09022015). Collection method: clinical testing. Allele origin: germline.
Comment: This variant is not present in population databases (ExAC no frequency). In summary, the available evidence is currently insufficient to determine the role of this variant in disease. Therefore, it has been classified as a Variant of Uncertain Significance. Algorithms developed to predict the effect of missense changes on protein structure and function are either unavailable or do not agree on the potential impact of this missense change (SIFT: "Tolerated"; PolyPhen-2: "Probably Damaging"; Align-GVGD: "Class C0"). This variant has not been reported in the literature in individuals with CSPP1-related conditions. This sequence change replaces alanine with valine at codon 1012 of the CSPP1 protein (p.Ala1012Val). The alanine residue is moderately conserved and there is a small physicochemical difference between alanine and valine.